The following is an entry in ClinVar:

NM_019892.6(INPP5E):c.1543C>T (p.Arg515Trp)

Gene: INPP5E (inositol polyphosphate-5-phosphatase E; minus strand). Cytogenetic location: 9q34.3.
Variant type: single nucleotide variant.
Coding change: c.1543C>T on transcript NM_019892.6 (MANE Select); coding-DNA position 1543, C replaced by T.
Protein change: p.Arg515Trp; replaces arginine 515 with tryptophan.
Molecular consequence: missense variant.
Genome position (GRCh38, 1-based): chr9:136,431,830, G>A on the plus strand (C>T on the coding strand, the complement: INPP5E is on the minus strand). VCF-style: chr9-136431830-G-A. GRCh37 (hg19) VCF-style: chr9-139326282-G-A.
Other names: c.1540C>T, p.Arg514Trp (NM_001318502.2); short protein forms R515W, R514W.
Identifiers: ClinVar variation 397 (VCV000000397.11), dbSNP rs13297509, ClinGen allele CA259595.

ClinVar aggregate classification (germline): Conflicting classifications of pathogenicity. Review status: criteria provided, conflicting classifications (1 of 4 stars). 5 submissions from 5 submitters: Pathogenic (1); Likely pathogenic (2); Uncertain significance (1). 1 of the submissions does not count toward it. Last evaluated 2025-08-19.

Conditions:
MORM syndrome (MORMS). Identifiers: Orphanet 75858, MedGen C1857802, MONDO:0012423, OMIM 610156.
Joubert syndrome 1 (JBTS1). Also called: Cerebellooculorenal syndrome 1; CEREBELLOPARENCHYMAL DISORDER IV. Identifiers: MedGen C4551568, MONDO:0008944, OMIM 213300.
Joubert syndrome. Also called: JOUBERT-BOLTSHAUSER SYNDROME; Familial aplasia of the vermis. Identifiers: Orphanet 475, MedGen C5979921, MONDO:0018772.

Allele frequency attached by ClinVar (database versions not stated): gnomAD 0.00001; ExAC 0.00002; TOPMed 0.00003; gnomAD exomes 0.00004.
gnomAD v4.1: 19 of 1,524,546 alleles (0.0012%); highest among the groups gnomAD compares: African/African-American, 0.0031%; no homozygotes.

Submissions (5):

Labcorp Genetics (formerly Invitae), Labcorp
Classification: Likely pathogenic for Joubert syndrome. Last evaluated: 2025-08-19. Review status: criteria provided, single submitter. Criteria: Invitae Variant Classification Sherloc (09022015). Collection method: clinical testing. Allele origin: germline.
Comment: This sequence change replaces arginine, which is basic and polar, with tryptophan, which is neutral and slightly polar, at codon 515 of the INPP5E protein (p.Arg515Trp). This variant is present in population databases (rs13297509, gnomAD 0.03%). This missense change has been observed in individuals with clinical features of Joubert syndrome or retinitis pigmentosa (PMID: 19668216, 27081510, 28559085; internal data). ClinVar contains an entry for this variant (Variation ID: 397). Invitae Evidence Modeling of protein sequence and biophysical properties (such as structural, functional, and spatial information, amino acid conservation, physicochemical variation, residue mobility, and thermodynamic stability) has been performed for this missense variant. However, the output from this modeling did not meet the statistical confidence thresholds required to predict the impact of this variant on INPP5E protein function. Experimental studies have shown that this missense change affects INPP5E function (PMID: 19668216). In summary, the currently available evidence indicates that the variant is pathogenic, but additional data are needed to prove that conclusively. Therefore, this variant has been classified as Likely Pathogenic.

Dubai Health Genomic Medicine Center, Dubai Health
Classification: Pathogenic for Joubert syndrome 1. Last evaluated: 2024-10-04. Review status: criteria provided, single submitter. Criteria: ACMG Guidelines, 2015. Collection method: research. Allele origin: germline. Affected: yes.
Comment: PM3,PS3,PM2,PP4,PP1

Fulgent Genetics
Classification: Likely pathogenic for Joubert syndrome 1; MORM syndrome. Last evaluated: 2024-01-15. Review status: criteria provided, single submitter. Criteria: ACMG Guidelines, 2015. Collection method: clinical testing. Allele origin: germline.

Blueprint Genetics
Classification: Uncertain significance. Last evaluated: 2019-12-16. Review status: criteria provided, single submitter. Criteria: ACMG Guidelines, 2015. Collection method: clinical testing. Allele origin: germline.

OMIM
Classification: Pathogenic for JOUBERT SYNDROME 1. Last evaluated: 2009-09-01. Review status: no assertion criteria provided. Collection method: literature only. Allele origin: germline. Not counted in ClinVar's aggregate classification.

Literature cited by the submitters: PubMed 19668216 (cited by Labcorp Genetics (formerly Invitae), Labcorp and OMIM); PubMed 27081510 (cited by Labcorp Genetics (formerly Invitae), Labcorp); PubMed 28559085 (cited by Labcorp Genetics (formerly Invitae), Labcorp).